The following is an entry in ClinVar:

NM_001035.3(RYR2):c.10681C>T (p.Leu3561Phe)

Gene: RYR2 (ryanodine receptor 2; plus strand). Cytogenetic location: 1q43.
Variant type: single nucleotide variant.
Coding change: c.10681C>T on transcript NM_001035.3 (MANE Select); coding-DNA position 10681, C replaced by T.
Protein change: p.Leu3561Phe; replaces leucine 3561 with phenylalanine.
Molecular consequence: missense variant.
Genome position (GRCh38, 1-based): chr1:237,723,254, C>T. VCF-style: chr1-237723254-C-T. GRCh37 (hg19) VCF-style: chr1-237886554-C-T.
Other names: short protein forms L3561F.
Identifiers: ClinVar variation 1172096 (VCV001172096.7), dbSNP rs1022428392, ClinGen allele CA345416242.

ClinVar aggregate classification (germline): Uncertain significance. Review status: criteria provided, multiple submitters, no conflicts (2 of 4 stars). 4 submissions from 4 submitters: Uncertain significance (4). Last evaluated 2025-12-29.

Conditions:
Cardiomyopathy (CMYO). Also called: Cardiomyopathies. Identifiers: Orphanet 167848, MedGen C0878544, MONDO:0004994, HP:0001638. Inheritance: Various modes of inheritance.
Ventricular arrhythmias due to cardiac ryanodine receptor calcium release deficiency syndrome. Also called: Autosomal dominant cardiac arrhythmia (Kuhn). Identifiers: MedGen C5542154, MONDO:0020745, OMIM 115000.
Catecholaminergic polymorphic ventricular tachycardia (CVPT). Also called: Catecholamine-induced polymorphic ventricular tachycardia. Identifiers: Orphanet 3286, MedGen C5574922, MONDO:0017990.
Catecholaminergic polymorphic ventricular tachycardia 1. Also called: VENTRICULAR TACHYCARDIA, STRESS-INDUCED POLYMORPHIC 1; VENTRICULAR TACHYCARDIA, CATECHOLAMINERGIC POLYMORPHIC, 1, WITH OR WITHOUT ATRIAL DYSFUNCTION AND/OR DILATED CARDIOMYOPATHY; RYR2-Related Catecholaminergic Polymorphic Ventricular Tachycardia. Identifiers: Orphanet 3286, MedGen C1631597, MONDO:0011484, OMIM 604772.

gnomAD v4.1: 1 of 1,611,328 alleles (0.000062%); no homozygotes.

Submissions (4):

Labcorp Genetics (formerly Invitae), Labcorp
Classification: Uncertain significance for Catecholaminergic polymorphic ventricular tachycardia 1. Last evaluated: 2025-12-29. Review status: criteria provided, single submitter. Criteria: Invitae Variant Classification Sherloc (09022015). Collection method: clinical testing. Allele origin: germline.
Comment: This sequence change replaces leucine, which is neutral and non-polar, with phenylalanine, which is neutral and non-polar, at codon 3561 of the RYR2 protein (p.Leu3561Phe). This variant is not present in population databases (gnomAD no frequency). This variant has not been reported in the literature in individuals affected with RYR2-related conditions. ClinVar contains an entry for this variant (Variation ID: 1172096). Invitae Evidence Modeling of protein sequence and biophysical properties (such as structural, functional, and spatial information, amino acid conservation, physicochemical variation, residue mobility, and thermodynamic stability) indicates that this missense variant is expected to disrupt RYR2 protein function with a positive predictive value of 95%. In summary, the available evidence is currently insufficient to determine the role of this variant in disease. Therefore, it has been classified as a Variant of Uncertain Significance.

Clinical Genomics Laboratory, Washington University in St. Louis
Classification: Uncertain significance for Ventricular arrhythmias due to cardiac ryanodine receptor calcium release deficiency syndrome. Last evaluated: 2024-11-19. Review status: criteria provided, single submitter. Criteria: ACMG Guidelines, 2015. Collection method: clinical testing. Allele origin: germline.
Comment: The RYR2 c.10681C>T (p.Leu3561Phe) variant, to our knowledge, has not been reported in the medical literature and is absent from the general population (gnomAD v.2.1.1), indicating it is not a common variant. Computational predictors indicate that the variant is damaging, evidence that correlates with impact to RYR2 function. Due to limited information, and based on ACMG/AMP guidelines for variant interpretation (Richards S et al., PMID: 25741868), the clinical significance of this variant is uncertain at this time.

Color Diagnostics, LLC DBA Color Health
Classification: Uncertain significance for Cardiomyopathy. Last evaluated: 2024-03-06. Review status: criteria provided, single submitter. Criteria: ACMG Guidelines, 2015. Collection method: clinical testing. Allele origin: germline.
Comment: This missense variant replaces leucine with phenylalanine at codon 3561 of the RYR2 protein. Computational prediction suggests that this variant may have deleterious impact on protein structure and function (internally defined REVEL score threshold >= 0.7, PMID: 27666373). To our knowledge, functional studies have not been reported for this variant. This variant has not been reported in individuals affected with cardiovascular disorders in the literature. This variant has not been identified in the general population by the Genome Aggregation Database (gnomAD). The available evidence is insufficient to determine the role of this variant in disease conclusively. Therefore, this variant is classified as a Variant of Uncertain Significance.

All of Us Research Program, National Institutes of Health
Classification: Uncertain significance for Catecholaminergic polymorphic ventricular tachycardia. Last evaluated: 2023-02-24. Review status: criteria provided, single submitter. Criteria: ACMG Guidelines, 2015. Collection method: clinical testing. Allele origin: germline. Inheritance: Autosomal dominant inheritance. Observed: 1 variant allele, 1 heterozygote.
Comment: This missense variant replaces leucine with phenylalanine at codon 3561 of the RYR2 protein. Computational prediction suggests that this variant may have deleterious impact on protein structure and function (internally defined REVEL score threshold >= 0.7, PMID: 27666373). To our knowledge, functional studies have not been reported for this variant. This variant has not been reported in individuals affected with cardiovascular disorders in the literature. This variant has not been identified in the general population by the Genome Aggregation Database (gnomAD). The available evidence is insufficient to determine the role of this variant in disease conclusively. Therefore, this variant is classified as a Variant of Uncertain Significance.

This study involves interpretation of variants in research participants for the purpose of population health screening. Participant phenotype was not available at the time of variant classification. Additional details can be found in publication PMID: 35346344, PMCID: PMC8962531